The following is an entry in ClinVar:

ClinVar aggregate classification (germline): Uncertain significance. Review status: criteria provided, multiple submitters, no conflicts (2 of 4 stars). 2 submissions from 2 submitters: Uncertain significance (2). Last evaluated 2025-06-01.

Conditions:
Cardiovascular phenotype. Identifiers: MedGen CN230736.
Dilated cardiomyopathy 1JJ (CMD1JJ). Identifiers: Orphanet 154, MedGen C3808935, MONDO:0014095, OMIM 615235.

Allele frequency attached by ClinVar (database versions not stated): gnomAD 0.00001; gnomAD exomes 0.00001 and 0.00002; TOPMed 0.00001.
gnomAD v4.1: 27 of 1,609,392 alleles (0.0017%); highest among the groups gnomAD compares: Non-Finnish European, 0.0023%; no homozygotes.

Submissions (2):

Labcorp Genetics (formerly Invitae), Labcorp
Classification: Uncertain significance for Dilated cardiomyopathy 1JJ. Last evaluated: 2025-06-01. Review status: criteria provided, single submitter. Criteria: Invitae Variant Classification Sherloc (09022015). Collection method: clinical testing. Allele origin: germline.
Comment: This sequence change replaces glutamic acid, which is acidic and polar, with glutamine, which is neutral and polar, at codon 322 of the LAMA4 protein (p.Glu322Gln). This variant is present in population databases (no rsID available, gnomAD 0.0009%). This variant has not been reported in the literature in individuals affected with LAMA4-related conditions. ClinVar contains an entry for this variant (Variation ID: 1055711). Invitae Evidence Modeling of protein sequence and biophysical properties (such as structural, functional, and spatial information, amino acid conservation, physicochemical variation, residue mobility, and thermodynamic stability) indicates that this missense variant is not expected to disrupt LAMA4 protein function with a negative predictive value of 80%. In summary, the available evidence is currently insufficient to determine the role of this variant in disease. Therefore, it has been classified as a Variant of Uncertain Significance.

Ambry Genetics
Classification: Uncertain significance for Cardiovascular phenotype. Last evaluated: 2024-03-07. Review status: criteria provided, single submitter. Criteria: Ambry Variant Classification Scheme 2023. Collection method: clinical testing. Allele origin: germline.

NM_001105206.3(LAMA4):c.985G>C (p.Glu329Gln)

Gene: LAMA4 (laminin subunit alpha 4; minus strand). Cytogenetic location: 6q21.
Variant type: single nucleotide variant.
Coding change: c.985G>C on transcript NM_001105206.3 (MANE Select); coding-DNA position 985, G replaced by C.
Protein change: p.Glu329Gln; replaces glutamic acid 329 with glutamine.
Molecular consequence: missense variant.
Genome position (GRCh38, 1-based): chr6:112,185,329, C>G on the plus strand (G>C on the coding strand, the complement: LAMA4 is on the minus strand). VCF-style: chr6-112185329-C-G. GRCh37 (hg19) VCF-style: chr6-112506531-C-G.
Other names: c.964G>C, p.Glu322Gln (NM_001105207.3, NM_002290.5); c.964G>C (NM_002290.3); short protein forms E322Q, E329Q.
Identifiers: ClinVar variation 1055711 (VCV001055711.10), dbSNP rs1554346363, ClinGen allele CA365374949.